The following is an entry in ClinVar:

ClinVar aggregate classification (germline): Likely pathogenic. Review status: criteria provided, multiple submitters, no conflicts (2 of 4 stars). 3 submissions from 3 submitters: Likely pathogenic (2). 1 of the submissions does not count toward it. Last evaluated 2026-02-20.

Conditions:
Inherited prostate cancer.
Hereditary breast ovarian cancer syndrome. Also called: Hereditary breast and ovarian cancer syndrome; Hereditary breast and ovarian cancer; Hereditary breast and ovarian cancer syndrome (HBOC); Breast and ovarian cancer; BRCA1- and BRCA2-Associated Hereditary Breast and Ovarian Cancer; Hereditary breast and/or ovarian cancer syndrome. Identifiers: Orphanet 145, MedGen C0677776, MeSH D061325, MONDO:0003582. Disease mechanism: loss of function.
Breast-ovarian cancer, familial, susceptibility to, 2 (BROVCA2). Also called: BRCA2 Hereditary Breast and Ovarian Cancer. Identifiers: Orphanet 145, MedGen C2675520, MONDO:0012933, OMIM 612555. Disease mechanism: loss of function.

gnomAD v4.1: 1 of 1,610,002 alleles (0.000062%); highest among the groups gnomAD compares: Non-Finnish European, 0.000085%; no homozygotes.

Submissions (3):

Genetics Laboratory, Great Ormond Street Hospital NHS Foundation Trust, North Thames Genomic Laboratory Hub
Classification: Likely pathogenic for Inherited prostate cancer. Last evaluated: 2026-02-20. Review status: criteria provided, single submitter. Criteria: CanVIG BRCA Gene Specific V1.22. Collection method: clinical testing. Allele origin: germline. Affected: yes.
Comment: PM2_moderate, PVS1_strong

Laboratory for Molecular Medicine, Mass General Brigham Personalized Medicine
Classification: Likely pathogenic for Hereditary breast ovarian cancer syndrome. Last evaluated: 2019-10-14. Review status: criteria provided, single submitter. Criteria: ACMG Guidelines, 2015. Collection method: clinical testing. Allele origin: germline.
Comment: The c.8331+2T>A variant in BRCA2 has not been previously reported in individuals with hereditary breast and/or ovarian cancer (HBOC) and was absent from large population studies, but has been reported in ClinVar (Variation ID: 91507). This variant occurs within the canonical splice site (+/- 1,2) and is predicted to cause altered splicing leading to an abnormal or absent protein. Loss of function of the BRCA2 gene is an established disease mechanism in autosomal dominant HBOC. In summary, although additional studies are required to fully establish its clinical significance, this variant meets criteria to be classified as likely pathogenic for autosomal dominant HBOC. ACMG/AMP Criteria applied: PVS1, PM2.

Sharing Clinical Reports Project (SCRP)
Classification: Pathogenic for Breast-ovarian cancer, familial 2. Last evaluated: 2012-05-08. Review status: no assertion criteria provided. Collection method: clinical testing. Allele origin: germline. Not counted in ClinVar's aggregate classification.

NC_000013.11:g.32363535T>A

Gene: BRCA2 (BRCA2 DNA repair associated; plus strand). Cytogenetic location: 13q13.1.
Variant type: single nucleotide variant.
Genome position: GRCh38 VCF-style: chr13-32363535-T-A. GRCh37 (hg19) VCF-style: chr13-32937672-T-A.
Other names: IVS18+2T>A; c.8331+2T>A (LRG_293t1).
Identifiers: ClinVar variation 91507 (VCV000091507.4), dbSNP rs398122602, ClinGen allele CA025580.